The following is an entry in ClinVar:

NM_002335.4(LRP5):c.4448C>T (p.Ser1483Phe)

Gene: LRP5 (LDL receptor related protein 5; plus strand). Cytogenetic location: 11q13.2.
Variant type: single nucleotide variant.
Coding change: c.4448C>T on transcript NM_002335.4 (MANE Select); coding-DNA position 4448, C replaced by T.
Protein change: p.Ser1483Phe; replaces serine 1483 with phenylalanine.
Molecular consequence: missense variant.
Genome position (GRCh38, 1-based): chr11:68,439,876, C>T. VCF-style: chr11-68439876-C-T. GRCh37 (hg19) VCF-style: chr11-68207344-C-T.
Other names: c.2705C>T, p.Ser902Phe (NM_001291902.2); short protein forms S1483F, S902F.
Identifiers: ClinVar variation 1036315 (VCV001036315.10), dbSNP rs1022857521, ClinGen allele CA224255775.

ClinVar aggregate classification (germline): Uncertain significance (1 of 4 stars; one submission).

Allele frequency attached by ClinVar (database versions not stated): TOPMed 0.00001.

Submission:

Labcorp Genetics (formerly Invitae), Labcorp
Classification: Uncertain significance. Last evaluated: 2025-01-06. Review status: criteria provided, single submitter. Criteria: Invitae Variant Classification Sherloc (09022015). Collection method: clinical testing. Allele origin: germline.
Comment: This sequence change replaces serine, which is neutral and polar, with phenylalanine, which is neutral and non-polar, at codon 1483 of the LRP5 protein (p.Ser1483Phe). This variant is not present in population databases (gnomAD no frequency). This variant has not been reported in the literature in individuals affected with LRP5-related conditions. ClinVar contains an entry for this variant (Variation ID: 1036315). Invitae Evidence Modeling of protein sequence and biophysical properties (such as structural, functional, and spatial information, amino acid conservation, physicochemical variation, residue mobility, and thermodynamic stability) indicates that this missense variant is not expected to disrupt LRP5 protein function with a negative predictive value of 95%. In summary, the available evidence is currently insufficient to determine the role of this variant in disease. Therefore, it has been classified as a Variant of Uncertain Significance.